The following is an entry in ClinVar:

ClinVar aggregate classification (germline): Uncertain significance (1 of 4 stars; one submission).

Submission:

Dasa
Classification: Uncertain significance. Last evaluated: 2025-07-13. Review status: criteria provided, single submitter. Criteria: DASA Assertion Criteria. Collection method: clinical testing. Allele origin: germline.
Comment: NM_001379291.1(BRD4):c.17G>A (p.Gly6Asp) is a missense variant that results in the substitution of glycine with aspartic acid. This variant is absent from population databases. Computational prediction algorithms are consistent with a benign effect. The currently available literature and clinical evidence are not sufficient to establish a definitive association between this variant and the reported condition. Therefore, this variant is classified as a variant of uncertain significance.

NM_001379291.1(BRD4):c.17G>A (p.Gly6Asp)

Gene: BRD4 (bromodomain containing 4; minus strand). Cytogenetic location: 19p13.12.
Variant type: single nucleotide variant.
Coding change: c.17G>A on transcript NM_001379291.1 (MANE Select); coding-DNA position 17, G replaced by A.
Protein change: p.Gly6Asp; replaces glycine 6 with aspartic acid.
Molecular consequence: missense variant.
Genome position (GRCh38, 1-based): chr19:15,273,083, C>T on the plus strand (G>A on the coding strand, the complement: BRD4 is on the minus strand). VCF-style: chr19-15273083-C-T. GRCh37 (hg19) VCF-style: chr19-15383894-C-T.
Other names: c.17G>A, p.Gly6Asp (NM_001330384.2, NM_001379292.1, NM_014299.3 and 1 more transcripts); short protein forms G6D.
Identifiers: ClinVar variation 5020916 (VCV005020916.1).